The following is an entry in ClinVar:

NM_001029883.3(PCARE):c.3037C>G (p.Pro1013Ala)

Gene: PCARE (photoreceptor cilium actin regulator; minus strand). Cytogenetic location: 2p23.2.
Variant type: single nucleotide variant.
Coding change: c.3037C>G on transcript NM_001029883.3 (MANE Select); coding-DNA position 3037, C replaced by G.
Protein change: p.Pro1013Ala; replaces proline 1013 with alanine.
Molecular consequence: missense variant.
Genome position (GRCh38, 1-based): chr2:29,071,225, G>C on the plus strand (C>G on the coding strand, the complement: PCARE is on the minus strand). VCF-style: chr2-29071225-G-C. GRCh37 (hg19) VCF-style: chr2-29294091-G-C.
Other names: c.3037C>G (NM_001029883.2); short protein forms P1013A.
Identifiers: ClinVar variation 1102349 (VCV001102349.12), dbSNP rs201402232, ClinGen allele CA1592044.

ClinVar aggregate classification (germline): Likely benign. Review status: criteria provided, multiple submitters, no conflicts (2 of 4 stars). 3 submissions from 3 submitters: Likely benign (2). 1 of the submissions does not count toward it. Last evaluated 2025-12-31.

Conditions:
PCARE-related disorder. Also called: PCARE-related condition.

Allele frequency attached by ClinVar (database versions not stated): ExAC 0.00044; ESP Exome Variant Server 0.00106; gnomAD 0.00128; TOPMed 0.00146; 1000 Genomes Project 30x 0.00156; 1000 Genomes Project 0.00160.
gnomAD v4.1: 344 of 1,610,038 alleles (0.021%); highest among the groups gnomAD compares: African/African-American, 0.42%; no homozygotes.

Submissions (3):

Labcorp Genetics (formerly Invitae), Labcorp
Classification: Likely benign. Last evaluated: 2025-12-31. Review status: criteria provided, single submitter. Criteria: Invitae Variant Classification Sherloc (09022015). Collection method: clinical testing. Allele origin: germline.

Blueprint Genetics
Classification: Likely benign. Last evaluated: 2024-07-17. Review status: criteria provided, single submitter. Criteria: ACMG Guidelines, 2015. Collection method: clinical testing. Allele origin: germline.

PreventionGenetics, part of Exact Sciences
Classification: Likely benign for PCARE-related condition. Last evaluated: 2022-07-25. Review status: no assertion criteria provided. Collection method: clinical testing. Allele origin: germline. Not counted in ClinVar's aggregate classification.
Comment: This variant is classified as likely benign based on ACMG/AMP sequence variant interpretation guidelines (Richards et al. 2015 PMID: 25741868, with internal and published modifications).